The following is an entry in ClinVar:

NM_001232.4(CASQ2):c.537C>A (p.Tyr179Ter)

Gene: CASQ2 (calsequestrin 2; minus strand). Cytogenetic location: 1p13.1.
Variant type: single nucleotide variant.
Coding change: c.537C>A on transcript NM_001232.4 (MANE Select); coding-DNA position 537, C replaced by A.
Protein change: p.Tyr179Ter; replaces tyrosine 179 with a stop codon.
Molecular consequence: nonsense.
Genome position (GRCh38, 1-based): chr1:115,732,970, G>T on the plus strand (C>A on the coding strand, the complement: CASQ2 is on the minus strand). VCF-style: chr1-115732970-G-T. GRCh37 (hg19) VCF-style: chr1-116275591-G-T.
Other names: short protein forms Y179*.
Identifiers: ClinVar variation 2865838 (VCV002865838.3), dbSNP rs2464907770, ClinGen allele CA341769082.

ClinVar aggregate classification (germline): Pathogenic (1 of 4 stars; one submission).

Conditions:
Catecholaminergic polymorphic ventricular tachycardia 1. Also called: VENTRICULAR TACHYCARDIA, STRESS-INDUCED POLYMORPHIC 1; RYR2-Related Catecholaminergic Polymorphic Ventricular Tachycardia; VENTRICULAR TACHYCARDIA, CATECHOLAMINERGIC POLYMORPHIC, 1, WITH OR WITHOUT ATRIAL DYSFUNCTION AND/OR DILATED CARDIOMYOPATHY. Identifiers: Orphanet 3286, MedGen C1631597, MONDO:0011484, OMIM 604772.

Allele frequency attached by ClinVar (database versions not stated): gnomAD exomes below 0.00001.
gnomAD v4.1: 1 of 1,611,372 alleles (0.000062%); highest among the groups gnomAD compares: Non-Finnish European, 0.000085%; no homozygotes.

Submission:

Labcorp Genetics (formerly Invitae), Labcorp
Classification: Pathogenic for Catecholaminergic polymorphic ventricular tachycardia 1. Last evaluated: 2023-05-19. Review status: criteria provided, single submitter. Criteria: Invitae Variant Classification Sherloc (09022015). Collection method: clinical testing. Allele origin: germline.
Comment: This sequence change creates a premature translational stop signal (p.Tyr179*) in the CASQ2 gene. It is expected to result in an absent or disrupted protein product. Loss-of-function variants in CASQ2 are known to be pathogenic (PMID: 12386154). This variant is not present in population databases (gnomAD no frequency). This variant has not been reported in the literature in individuals affected with CASQ2-related conditions. For these reasons, this variant has been classified as Pathogenic.

Literature cited by the submitters: PubMed 12386154.